The following is an entry in ClinVar:

ClinVar aggregate classification (germline): Pathogenic/Likely pathogenic. Review status: criteria provided, multiple submitters, no conflicts (2 of 4 stars). 4 submissions from 4 submitters: Pathogenic (1); Likely pathogenic (3). Last evaluated 2022-10-13.

Conditions:
ABCA4-related disorder. Also called: ABCA4-related condition; ABCA4-related disorders. Identifiers: MedGen CN239167.
Retinal dystrophy. Also called: Inherited retinal dystrophy. Identifiers: Orphanet 71862, MedGen C0854723, MeSH D058499, MONDO:0019118, HP:0000556.

Submissions (4):

Labcorp Genetics (formerly Invitae), Labcorp
Classification: Pathogenic. Last evaluated: 2022-10-13. Review status: criteria provided, single submitter. Criteria: Invitae Variant Classification Sherloc (09022015). Collection method: clinical testing. Allele origin: germline.
Comment: For these reasons, this variant has been classified as Pathogenic. Advanced modeling of protein sequence and biophysical properties (such as structural, functional, and spatial information, amino acid conservation, physicochemical variation, residue mobility, and thermodynamic stability) performed at Invitae indicates that this missense variant is expected to disrupt ABCA4 protein function. ClinVar contains an entry for this variant (Variation ID: 1298429). This missense change has been observed in individual(s) with Stargardt disease (PMID: 29925512; Invitae). This variant is not present in population databases (gnomAD no frequency). This sequence change replaces tyrosine, which is neutral and polar, with serine, which is neutral and polar, at codon 954 of the ABCA4 protein (p.Tyr954Ser).

Blueprint Genetics
Classification: Likely pathogenic for ABCA4-related disorders. Last evaluated: 2022-01-17. Review status: criteria provided, single submitter. Criteria: ACMG Guidelines, 2015. Collection method: clinical testing. Allele origin: germline. Affected: yes. Observed: 1 variant allele.

CeGaT Center for Human Genetics Tuebingen
Classification: Likely pathogenic. Last evaluated: 2021-09-01. Review status: criteria provided, single submitter. Criteria: CeGaT Center For Human Genetics Tuebingen Variant Classification Criteria Version 2. Collection method: clinical testing. Allele origin: germline. Affected: yes. Observed: 1 variant allele.

Institute of Human Genetics, Univ. Regensburg, Univ. Regensburg
Classification: Likely pathogenic for Retinal dystrophy. Last evaluated: 2008-01-01. Review status: criteria provided, single submitter. Criteria: ACMG Guidelines, 2015. Collection method: clinical testing. Allele origin: germline. Affected: yes.

Literature cited by the submitters: PubMed 29925512 (cited by Labcorp Genetics (formerly Invitae), Labcorp and Institute of Human Genetics, Univ. Regensburg, Univ. Regensburg); PubMed 23755871 (cited by Institute of Human Genetics, Univ. Regensburg, Univ. Regensburg).

NM_000350.3(ABCA4):c.2861A>C (p.Tyr954Ser)

Gene: ABCA4 (ATP binding cassette subfamily A member 4; minus strand). Cytogenetic location: 1p22.1.
Variant type: single nucleotide variant.
Coding change: c.2861A>C on transcript NM_000350.3 (MANE Select); coding-DNA position 2861, A replaced by C.
Protein change: p.Tyr954Ser; replaces tyrosine 954 with serine.
Molecular consequence: missense variant.
Genome position (GRCh38, 1-based): chr1:94,046,976, T>G on the plus strand (A>C on the coding strand, the complement: ABCA4 is on the minus strand). VCF-style: chr1-94046976-T-G. GRCh37 (hg19) VCF-style: chr1-94512532-T-G.
Other names: c.2639A>C, p.Tyr880Ser (NM_001425324.1); short protein forms Y954S, Y880S.
Identifiers: ClinVar variation 1298429 (VCV001298429.40), dbSNP rs1660701838, ClinGen allele CA341275397.
Genomic context (GRCh38, chr1:94,046,976, plus strand): 5'-CACAAGGTGGTGGTTTTCCCAGCTCCATTGTGGCCCAGGAATGCGGTGATCTGGTTCTCG[T>G]AGAAGGTGATGTTCAGACGGTCCACAGCTGGCCGGCCACAGGGCTCAAAAATCTTTACCA-3'
Protein context (NP_000341.2, residues 944-964): PAVDRLNITF[Tyr954Ser]ENQITAFLGH